The following is an entry in ClinVar:

NM_012156.2(EPB41L1):c.1807C>T (p.Arg603Cys)

Gene: EPB41L1 (erythrocyte membrane protein band 4.1 like 1; plus strand). Cytogenetic location: 20q11.23.
Variant type: single nucleotide variant.
Coding change: c.1807C>T on transcript NM_012156.2 (MANE Select); coding-DNA position 1807, C replaced by T.
Protein change: p.Arg603Cys; replaces arginine 603 with cysteine.
Molecular consequence: missense variant. On other transcripts: intron variant (1).
Genome position (GRCh38, 1-based): chr20:36,209,626, C>T. VCF-style: chr20-36209626-C-T. GRCh37 (hg19) VCF-style: chr20-34797548-C-T.
Other names: c.1807C>T, p.Arg603Cys (NM_001258329.1); c.1585C>T, p.Arg529Cys (NM_001258331.2, NM_177996.2); c.1540-2646C>T (NM_001258330.1); short protein forms R529C, R603C.
Identifiers: ClinVar variation 1803745 (VCV001803745.1), dbSNP rs2063017244, ClinGen allele CA408797903.

ClinVar aggregate classification (germline): Uncertain significance (1 of 4 stars; one submission).

Conditions:
Intellectual disability, autosomal dominant 11. Identifiers: MedGen C3280285, MONDO:0013658, OMIM 614257.

Allele frequency attached by ClinVar (database versions not stated): gnomAD exomes below 0.00001.
gnomAD v4.1: 2 of 1,614,192 alleles (0.00012%); highest among the groups gnomAD compares: Non-Finnish European, 0.00017%; no homozygotes.

Submission:

HudsonAlpha Institute for Biotechnology
Classification: Uncertain significance for Intellectual disability, autosomal dominant 11. Last evaluated: 2022-08-04. Review status: criteria provided, single submitter. Criteria: ACMG Guidelines, 2015. Collection method: research. Allele origin: unknown. Observed: 1 variant allele. Study: HudsonAlpha-AGHI-WGS.
Comment: ACMG codes:PM2_Moderate, PP3_Supporting